The following is an entry in ClinVar:

NM_000169.3(GLA):c.1095T>G (p.Tyr365Ter)

Genes: GLA (galactosidase alpha; minus strand), RPL36A-HNRNPH2 (RPL36A-HNRNPH2 readthrough; plus strand). Cytogenetic location: Xq22.1.
Variant type: single nucleotide variant.
Coding change: c.1095T>G on transcript NM_000169.3 (MANE Select); coding-DNA position 1095, T replaced by G.
Protein change: p.Tyr365Ter; replaces tyrosine 365 with a stop codon.
Molecular consequence: nonsense. On other transcripts: non-coding transcript variant (3), intron variant (2).
Genome position (GRCh38, 1-based): chrX:101,398,004, A>C on the plus strand (T>G on the coding strand, the complement: GLA is on the minus strand). VCF-style: chrX-101398004-A-C. GRCh37 (hg19) VCF-style: chrX-100652992-A-C.
Other names: c.1218T>G, p.Tyr406Ter (NM_001406747.1); c.300+2547A>C (NM_001199973.2); c.177+6182A>C (NM_001199974.2); short protein forms Y365*, Y406*.
Identifiers: ClinVar variation 2635243 (VCV002635243.4), dbSNP rs104894849, ClinGen allele CA413920675.
Genomic context (GRCh38, chrX:101,398,004, plus strand): 5'-TGTGATGAAGCAGGCAGGATTACAGGCCACTCCTTTACCCAGGGAAGCAACTGCGATGGT[A>C]TAAGAGCGAGGTCCACCAATCTCCTGCCGGTTTATCATAGCTACAGCCCAGGCTAAGCCT-3'

ClinVar aggregate classification (germline): Pathogenic. Review status: criteria provided, multiple submitters, no conflicts (2 of 4 stars). 3 submissions from 3 submitters: Pathogenic (3). Last evaluated 2026-09-08.

Conditions:
Fabry disease. Also called: Fabry's disease; ALPHA-GALACTOSIDASE A DEFICIENCY; ANDERSON-FABRY DISEASE; CERAMIDE TRIHEXOSIDASE DEFICIENCY; Ceramide trihexosidosis; GLA DEFICIENCY. Identifiers: Orphanet 324, MedGen C0002986, MONDO:0010526, OMIM 301500, HP:0001071. Disease mechanism: Fabry disease is due to inactivating mutations in the X-linked GLA gene resulting in deficiency of the enzyme Alpha Galactosidase-A., loss of function.
GLA-related disorder. Also called: GLA-related condition.
Cardiovascular phenotype. Identifiers: MedGen CN230736.

Submissions (3):

Genomenon, Inc
Classification: Pathogenic for Fabry disease. Last evaluated: 2026-09-08. Review status: criteria provided, single submitter. Criteria: Genomenon Sequence Variant Interpretation Standards - Updated. Collection method: curation. Allele origin: germline. Affected: yes.
Comment: GLA p.Tyr365Ter (c.1095T>G) is a nonsense variant that introduces a premature stop codon at amino acid position 365 and is predicted to result in a truncated or absent protein product. This variant has been observed in at least one proband with clinical features consistent with Fabry disease (PMID:30988410). It is absent or not present at a significant frequency in gnomAD. In conclusion, we classify GLA p.Tyr365Ter (c.1095T>G) as a pathogenic variant.

Ambry Genetics
Classification: Pathogenic for Cardiovascular phenotype. Last evaluated: 2024-08-19. Review status: criteria provided, single submitter. Criteria: Ambry Variant Classification Scheme 2023. Collection method: clinical testing. Allele origin: germline.
Comment: The p.Y365* pathogenic mutation (also known as c.1095T>G), located in coding exon 7 of the GLA gene, results from a T to G substitution at nucleotide position 1095. This changes the amino acid from a tyrosine to a stop codon within coding exon 7. This alteration occurs at the 3' terminus of theGLA gene, is not expected to trigger nonsense-mediated mRNA decay, and impacts the last 15% of the protein. However, premature stop codons are typically deleterious in nature and the impacted region is critical for protein function (Ambry internal data). This variant is considered to be rare based on population cohorts in the Genome Aggregation Database (gnomAD). Based on the supporting evidence, this variant is interpreted as a disease-causing mutation.

PreventionGenetics, part of Exact Sciences
Classification: Pathogenic for GLA-related condition. Last evaluated: 2022-11-09. Review status: criteria provided, single submitter. Criteria: ACMG Guidelines, 2015. Collection method: clinical testing. Allele origin: germline.
Comment: The GLA c.1095T>G variant is predicted to result in premature protein termination (p.Tyr365*). This variant was reported in an individual with Fabry disease (Sakuraba et al 2018. PubMed ID: 30386727). Another DNA variant leading to the same protein truncation (c.1095T>A, p.Tyr365*) was reported in a family with Fabry disease (Miyamura et al. 1996. PubMed ID: 8878432). In a heterozygote individual in this family, lymphocyte alpha-Gal A activity was approximately 30% of the normal control and severe clinical symptoms were apparent. Functional studies support pathogenicity and suggest a dominant negative effect and the importance of the C terminus for protein activity (Miyamura et al. 1996. PubMed ID: 8878432). Although this variant occurs in the last exon and may not succumb to the nonsense mediated decay, it is shortening the protein product by 65 amino acid residues and many pathogenic GLA mutations are reported downstream of this variant. This variant has not been reported in a large population database, indicating this variant is rare. Nonsense variants in GLA gene are expected to be pathogenic. This variant is interpreted as pathogenic.

Literature cited by the submitters: PubMed 30988410 (cited by Genomenon, Inc and Ambry Genetics); PubMed 26083343 (cited by Ambry Genetics); PubMed 30386727 (cited by Ambry Genetics).